The following is an entry in ClinVar:

ClinVar aggregate classification (germline): Benign/Likely benign. Review status: criteria provided, multiple submitters, no conflicts (2 of 4 stars). 6 submissions from 6 submitters: Benign (3); Likely benign (3). Last evaluated 2026-03-29.

Conditions:
Pseudohypoaldosteronism type 2B (PHA2B). Also called: Pseudohypoaldosteronism Type IIB. Identifiers: Orphanet 757, Orphanet 88939, MedGen C1840390, MONDO:0013777, OMIM 614491.
WNK4-related disorder. Also called: WNK4-related condition.

Allele frequency attached by ClinVar (database versions not stated): gnomAD 0.00033 and 0.00035; gnomAD exomes 0.00034 and 0.00078; TOPMed 0.00044; ExAC 0.00060; ESP Exome Variant Server 0.00069.

Submissions (6):

PreventionGenetics, part of Exact Sciences
Classification: Likely benign for WNK4-related condition. Last evaluated: 2026-03-29. Review status: criteria provided, single submitter. Criteria: ACMG Guidelines, 2015. Collection method: clinical testing. Allele origin: germline.
Comment: This variant is classified as likely benign based on ACMG/AMP sequence variant interpretation guidelines (Richards et al. 2015 PMID: 25741868, with internal and published modifications).

Labcorp Genetics (formerly Invitae), Labcorp
Classification: Benign. Last evaluated: 2025-10-29. Review status: criteria provided, single submitter. Criteria: Invitae Variant Classification Sherloc (09022015). Collection method: clinical testing. Allele origin: germline.

CeGaT Center for Human Genetics Tuebingen
Classification: Likely benign. Last evaluated: 2023-03-01. Review status: criteria provided, single submitter. Criteria: CeGaT Center For Human Genetics Tuebingen Variant Classification Criteria Version 2. Collection method: clinical testing. Allele origin: germline. Affected: yes. Observed: 1 variant allele.
Comment: WNK4: BP4, BP7

Fulgent Genetics
Classification: Likely benign for Pseudohypoaldosteronism type 2B. Last evaluated: 2021-12-08. Review status: criteria provided, single submitter. Criteria: ACMG Guidelines, 2015. Collection method: clinical testing. Allele origin: unknown.

Illumina Laboratory Services, Illumina
Classification: Benign for Pseudohypoaldosteronism type 2B. Last evaluated: 2018-01-13. Review status: criteria provided, single submitter. Criteria: ICSL Variant Classification Criteria 13 December 2019. Collection method: clinical testing. Allele origin: germline.
Comment: This variant was observed in the ICSL laboratory as part of a predisposition screen in an ostensibly healthy population. It had not been previously curated by ICSL or reported in the Human Gene Mutation Database (HGMD: prior to June 1st, 2018), and was therefore a candidate for classification through an automated scoring system. Utilizing variant allele frequency, disease prevalence and penetrance estimates, and inheritance mode, an automated score was calculated to assess if this variant is too frequent to cause the disease. Based on the score and internal cut-off values, a variant classified as benign is not then subjected to further curation. The score for this variant resulted in a classification of benign for this disease.

Breakthrough Genomics
Classification: Benign. Review status: criteria provided, single submitter. Criteria: ACMG Guidelines, 2015. Collection method: not provided. Allele origin: germline. Inheritance: Autosomal dominant inheritance. Affected: yes.

NM_032387.5(WNK4):c.1572G>T (p.Leu524=)

Gene: WNK4 (WNK lysine deficient protein kinase 4; plus strand). Cytogenetic location: 17q21.2.
Variant type: single nucleotide variant.
Coding change: c.1572G>T on transcript NM_032387.5 (MANE Select); coding-DNA position 1572, G replaced by T.
Protein change: p.Leu524=; no amino-acid change (leucine 524 retained).
Molecular consequence: synonymous variant.
Genome position (GRCh38, 1-based): chr17:42,787,373, G>T. VCF-style: chr17-42787373-G-T. GRCh37 (hg19) VCF-style: chr17-40939391-G-T.
Other names: c.564G>T, p.Leu188= (NM_001321299.2).
Identifiers: ClinVar variation 323321 (VCV000323321.36), dbSNP rs144084546, ClinGen allele CA8584026.